The following is an entry in ClinVar:

ClinVar aggregate classification (germline): Conflicting classifications of pathogenicity. Review status: criteria provided, conflicting classifications (1 of 4 stars). 4 submissions from 4 submitters: Uncertain significance (2); Likely benign (2). Last evaluated 2025-12-18.

Conditions:
CLPP-related disorder. Also called: CLPP-related condition.
Inborn genetic diseases. Identifiers: MedGen C0950123, MeSH D030342.

Allele frequency attached by ClinVar (database versions not stated): ExAC 0.00006; gnomAD 0.00006; TOPMed 0.00007; gnomAD exomes 0.00014.

Submissions (4):

PreventionGenetics, part of Exact Sciences
Classification: Likely benign for CLPP-related condition. Last evaluated: 2025-12-18. Review status: criteria provided, single submitter. Criteria: ACMG Guidelines, 2015. Collection method: clinical testing. Allele origin: germline.
Comment: This variant is classified as likely benign based on ACMG/AMP sequence variant interpretation guidelines (Richards et al. 2015 PMID: 25741868, with internal and published modifications).

Labcorp Genetics (formerly Invitae), Labcorp
Classification: Likely benign. Last evaluated: 2025-08-06. Review status: criteria provided, single submitter. Criteria: Invitae Variant Classification Sherloc (09022015). Collection method: clinical testing. Allele origin: germline.

Ambry Genetics
Classification: Uncertain significance for Inborn genetic diseases. Last evaluated: 2021-04-03. Review status: criteria provided, single submitter. Criteria: Ambry Variant Classification Scheme 2023. Collection method: clinical testing. Allele origin: germline.

GeneDx
Classification: Uncertain significance. Last evaluated: 2020-10-27. Review status: criteria provided, single submitter. Criteria: GeneDx Variant Classification Process June 2021. Collection method: clinical testing. Allele origin: germline. Affected: yes.
Comment: In silico analysis supports that this missense variant has a deleterious effect on protein structure/function; Has not been previously published as pathogenic or benign to our knowledge

NM_006012.4(CLPP):c.340C>T (p.Pro114Ser)

Gene: CLPP (caseinolytic mitochondrial matrix peptidase proteolytic subunit; plus strand). Cytogenetic location: 19p13.3.
Variant type: single nucleotide variant.
Coding change: c.340C>T on transcript NM_006012.4 (MANE Select); coding-DNA position 340, C replaced by T.
Protein change: p.Pro114Ser; replaces proline 114 with serine.
Molecular consequence: missense variant.
Genome position (GRCh38, 1-based): chr19:6,362,515, C>T. VCF-style: chr19-6362515-C-T. GRCh37 (hg19) VCF-style: chr19-6362526-C-T.
Other names: short protein forms P114S.
Identifiers: ClinVar variation 1203839 (VCV001203839.10), dbSNP rs771668786, ClinGen allele CA9122872.